The following is an entry in ClinVar:

ClinVar aggregate classification (germline): Conflicting classifications of pathogenicity. Review status: criteria provided, conflicting classifications (1 of 4 stars). 3 submissions from 3 submitters: Uncertain significance (2); Benign (1). Last evaluated 2024-01-12.

Allele frequency attached by ClinVar (database versions not stated): TOPMed 0.00006; ESP Exome Variant Server 0.00008; gnomAD exomes below 0.00001 and 0.00001; gnomAD 0.00003.
gnomAD v4.1: 10 of 1,588,470 alleles (0.00063%); highest among the groups gnomAD compares: African/African-American, 0.012%; no homozygotes.

Submissions (3):

Labcorp Genetics (formerly Invitae), Labcorp
Classification: Benign. Last evaluated: 2024-01-12. Review status: criteria provided, single submitter. Criteria: Invitae Variant Classification Sherloc (09022015). Collection method: clinical testing. Allele origin: germline.

GeneDx
Classification: Uncertain significance. Last evaluated: 2019-05-15. Review status: criteria provided, single submitter. Criteria: GeneDx Variant Classification Process June 2021. Collection method: clinical testing. Allele origin: germline. Affected: yes.
Comment: Has not been previously published as pathogenic or benign to our knowledge; Reported in ClinVar as a variant of uncertain significance but additional evidence is not available (ClinVar Variant ID# 286542; Landrum et al., 2016); Not observed at a significant frequency in large population cohorts (Lek et al., 2016); In silico analysis, which includes protein predictors and evolutionary conservation, supports that this variant does not alter protein structure/function

Eurofins Ntd Llc (ga)
Classification: Uncertain significance. Last evaluated: 2016-04-05. Review status: criteria provided, single submitter. Criteria: EGL Classification Definitions 2015. Collection method: clinical testing. Allele origin: germline. Observed: 1 variant allele, 1 heterozygote.

NM_080680.3(COL11A2):c.3352C>A (p.Gln1118Lys)

Gene: COL11A2 (collagen type XI alpha 2 chain; minus strand). Cytogenetic location: 6p21.32.
Variant type: single nucleotide variant.
Coding change: c.3352C>A on transcript NM_080680.3 (MANE Select); coding-DNA position 3352, C replaced by A.
Protein change: p.Gln1118Lys; replaces glutamine 1118 with lysine.
Molecular consequence: missense variant.
Genome position (GRCh38, 1-based): chr6:33,171,128, G>T on the plus strand (C>A on the coding strand, the complement: COL11A2 is on the minus strand). VCF-style: chr6-33171128-G-T. GRCh37 (hg19) VCF-style: chr6-33138905-G-T.
Other names: c.3031C>A, p.Gln1011Lys (NM_080679.3); c.3094C>A, p.Gln1032Lys (NM_080681.3); short protein forms Q1118K, Q1011K, Q1032K.
Identifiers: ClinVar variation 286542 (VCV000286542.14), dbSNP rs369849667, ClinGen allele CA10605498.